The following is an entry in ClinVar:

ClinVar aggregate classification (germline): Likely benign (1 of 4 stars; one submission).

Allele frequency attached by ClinVar (database versions not stated): TOPMed below 0.00001; ExAC 0.00001; gnomAD 0.00002.
gnomAD v4.1: 26 of 1,613,940 alleles (0.0016%); highest among the groups gnomAD compares: Middle Eastern, 0.066%; no homozygotes.

Submission:

CeGaT Center for Human Genetics Tuebingen
Classification: Likely benign. Last evaluated: 2022-05-01. Review status: criteria provided, single submitter. Criteria: CeGaT Center For Human Genetics Tuebingen Variant Classification Criteria Version 2. Collection method: clinical testing. Allele origin: germline. Affected: yes. Observed: 1 variant allele.
Comment: DACT1: BP4, BP7

NM_001079520.2(DACT1):c.1194G>T (p.Leu398=)

Gene: DACT1 (dishevelled binding antagonist of beta catenin 1; plus strand). Cytogenetic location: 14q23.1.
Variant type: single nucleotide variant.
Coding change: c.1194G>T on transcript NM_001079520.2 (MANE Select); coding-DNA position 1194, G replaced by T.
Protein change: p.Leu398=; no amino-acid change (leucine 398 retained).
Molecular consequence: synonymous variant. On other transcripts: non-coding transcript variant (5).
Genome position (GRCh38, 1-based): chr14:58,645,928, G>T. VCF-style: chr14-58645928-G-T. GRCh37 (hg19) VCF-style: chr14-59112646-G-T.
Other names: c.1305G>T, p.Leu435= (NM_016651.6).
Identifiers: ClinVar variation 2644262 (VCV002644262.24), dbSNP rs767359253, ClinGen allele CA7206753.